The following is an entry in ClinVar:

ClinVar aggregate classification (germline): Uncertain significance (1 of 4 stars; one submission).

gnomAD v4.1: 1 of 1,606,872 alleles (0.000062%); highest among the groups gnomAD compares: Non-Finnish European, 0.000085%; no homozygotes.

Submission:

Labcorp Genetics (formerly Invitae), Labcorp
Classification: Uncertain significance. Last evaluated: 2024-11-19. Review status: criteria provided, single submitter. Criteria: Invitae Variant Classification Sherloc (09022015). Collection method: clinical testing. Allele origin: germline.
Comment: This sequence change falls in intron 6 of the NLRP1 gene. It does not directly change the encoded amino acid sequence of the NLRP1 protein. It affects a nucleotide within the consensus splice site. The frequency data for this variant in the population databases is considered unreliable, as metrics indicate poor data quality at this position in the gnomAD database. This variant has not been reported in the literature in individuals affected with NLRP1-related conditions. Variants that disrupt the consensus splice site are a relatively common cause of aberrant splicing (PMID: 17576681, 9536098). Algorithms developed to predict the effect of sequence changes on RNA splicing suggest that this variant may disrupt the consensus splice site. In summary, the available evidence is currently insufficient to determine the role of this variant in disease. Therefore, it has been classified as a Variant of Uncertain Significance.

Literature cited by the submitters: PubMed 17576681; PubMed 9536098.

NM_033004.4(NLRP1):c.2700-3C>A

Gene: NLRP1 (NLR family pyrin domain containing 1; minus strand). Cytogenetic location: 17p13.2.
Variant type: single nucleotide variant.
Coding change: c.2700-3C>A on transcript NM_033004.4 (MANE Select); 3 bases into the intron before coding-DNA position 2700, C replaced by A.
Molecular consequence: intron variant.
Genome position (GRCh38, 1-based): chr17:5,539,588, G>T on the plus strand (C>A on the coding strand, the complement: NLRP1 is on the minus strand). VCF-style: chr17-5539588-G-T. GRCh37 (hg19) VCF-style: chr17-5442908-G-T.
Other names: c.2700-3C>A (NM_001033053.3, NM_033007.4, NM_033006.4 and 1 more transcripts).
Identifiers: ClinVar variation 3725132 (VCV003725132.2).